The following is an entry in ClinVar:

NM_004525.3(LRP2):c.11986del (p.Glu3996fs)

Gene: LRP2 (LDL receptor related protein 2; minus strand). Cytogenetic location: 2q31.1.
Variant type: Deletion.
Coding change: c.11986del on transcript NM_004525.3 (MANE Select); coding-DNA position 11986, one base deleted (G; older notation c.11986delG).
Protein change: p.Glu3996fs; shifts the reading frame from glutamic acid 3996.
Molecular consequence: frameshift variant.
Genome position (GRCh38, 1-based): chr2:169,157,404, C deleted on the plus strand (G on the coding strand, the reverse complement: LRP2 is on the minus strand). VCF-style (leftmost placement, unchanged base first): chr2-169157403-TC-T. GRCh37 (hg19) VCF-style: chr2-170013913-TC-T.
Other names: short protein forms E3996fs.
Identifiers: ClinVar variation 5014840 (VCV005014840.1).

ClinVar aggregate classification (germline): Pathogenic (1 of 4 stars; one submission).

Conditions:
Donnai-Barrow syndrome. Also called: DBS/FOAR SYNDROME; FACIOOCULOACOUSTICORENAL SYNDROME. Identifiers: Orphanet 2143, MedGen C1857277, MONDO:0009104, OMIM 222448.

Submission:

Myriad Genetics, Inc.
Classification: Pathogenic for Donnai-Barrow syndrome. Last evaluated: 2025-08-07. Review status: criteria provided, single submitter. Criteria: Myriad Autosomal Dominant, Autosomal Recessive and X-Linked Classification Criteria (2023). Collection method: clinical testing. Allele origin: unknown.
Comment: NM_004525.2(LRP2):c.11986delG(E3996Kfs*11) is expected to be pathogenic in the context of Donnai-Barrow syndrome. This variant is predicted to lead to an abnormal or absent protein product due to the creation of a premature termination codon in LRP2, a gene where loss-of-function variants are known to be pathogenic. Please note: this variant was assessed in the context of healthy population screening.